The following is an entry in ClinVar:

NM_001267550.2(TTN):c.2370G>A (p.Gln790=)

Gene: TTN (titin; minus strand). Cytogenetic location: 2q31.2.
Variant type: single nucleotide variant.
Coding change: c.2370G>A on transcript NM_001267550.2 (MANE Select); coding-DNA position 2370, G replaced by A.
Protein change: p.Gln790=; no amino-acid change (glutamine 790 retained).
Molecular consequence: synonymous variant.
Genome position (GRCh38, 1-based): chr2:178,785,848, C>T on the plus strand (G>A on the coding strand, the complement: TTN is on the minus strand). VCF-style: chr2-178785848-C-T. GRCh37 (hg19) VCF-style: chr2-179650575-C-T.
Other names: c.2370G>A, p.Gln790= (NM_001256850.1, NM_133378.4, NM_133379.5); c.2232G>A, p.Gln744= (NM_003319.4, NM_133432.3, NM_133437.4).
Identifiers: ClinVar variation 1951814 (VCV001951814.7), dbSNP rs2093138193, ClinGen allele CA430282671.

ClinVar aggregate classification (germline): Conflicting classifications of pathogenicity. Review status: criteria provided, conflicting classifications (1 of 4 stars). 3 submissions from 3 submitters: Uncertain significance (2); Likely benign (1). Last evaluated 2026-04-21.

Conditions:
Dilated cardiomyopathy 1G (CMD1G). Identifiers: Orphanet 154, MedGen C1858763, MONDO:0011400, OMIM 604145.
Autosomal recessive limb-girdle muscular dystrophy type 2J (LGMDR10). Also called: Limb-girdle muscular dystrophy, type 2J; MUSCULAR DYSTROPHY, LIMB-GIRDLE, AUTOSOMAL RECESSIVE 10. Identifiers: Orphanet 140922, MedGen C1837342, MONDO:0012127, OMIM 608807.
TTN-related disorder. Also called: TTN-related disorders; TTN-related condition; TTN-related disease.

Allele frequency attached by ClinVar (database versions not stated): gnomAD exomes below 0.00001.
gnomAD v4.1: 1 of 1,614,056 alleles (0.000062%); highest among the groups gnomAD compares: Non-Finnish European, 0.000085%; no homozygotes.

Submissions (3):

PreventionGenetics, part of Exact Sciences
Classification: Uncertain significance for TTN-related condition. Last evaluated: 2026-04-21. Review status: criteria provided, single submitter. Criteria: ACMG Guidelines, 2015. Collection method: clinical testing. Allele origin: germline.
Comment: The TTN c.2370G>A variant is not predicted to result in an amino acid change (p.=). To our knowledge, this variant has not been reported in the literature or in a large population database (gnomAD), indicating this variant is rare. At this time, the clinical significance of this variant is uncertain due to the absence of conclusive functional and genetic evidence.

Labcorp Genetics (formerly Invitae), Labcorp
Classification: Uncertain significance for Dilated cardiomyopathy 1G; Autosomal recessive limb-girdle muscular dystrophy type 2J. Last evaluated: 2024-10-06. Review status: criteria provided, single submitter. Criteria: Invitae Variant Classification Sherloc (09022015). Collection method: clinical testing. Allele origin: germline.
Comment: This sequence change affects codon 790 of the TTN mRNA. It is a 'silent' change, meaning that it does not change the encoded amino acid sequence of the TTN protein. This variant also falls at the last nucleotide of exon 14, which is part of the consensus splice site for this exon. This variant is not present in population databases (gnomAD no frequency). This variant has not been reported in the literature in individuals affected with TTN-related conditions. ClinVar contains an entry for this variant (Variation ID: 1951814). Variants that disrupt the consensus splice site are a relatively common cause of aberrant splicing (PMID: 17576681, 9536098). Algorithms developed to predict the effect of sequence changes on RNA splicing suggest that this variant may disrupt the consensus splice site. This variant is located in the Z band of TTN (PMID: 25589632). Non-truncating variants in this region may be clinically relevant, but have not been definitively shown to cause cardiomyopathy or neuromuscular disease (PMID: 27493940, 32778822). In summary, the available evidence is currently insufficient to determine the role of this variant in disease. Therefore, it has been classified as a Variant of Uncertain Significance.

Blueprint Genetics
Classification: Likely benign. Last evaluated: 2022-12-30. Review status: criteria provided, single submitter. Criteria: ACMG Guidelines, 2015. Collection method: clinical testing. Allele origin: germline.

Literature cited by the submitters: PubMed 17576681 (cited by Labcorp Genetics (formerly Invitae), Labcorp); PubMed 9536098 (cited by Labcorp Genetics (formerly Invitae), Labcorp); PubMed 25589632 (cited by Labcorp Genetics (formerly Invitae), Labcorp); PubMed 27493940 (cited by Labcorp Genetics (formerly Invitae), Labcorp); PubMed 32778822 (cited by Labcorp Genetics (formerly Invitae), Labcorp).